The following is an entry in ClinVar:

NM_001352754.2(ARMC9):c.1341G>A (p.Pro447=)

Gene: ARMC9 (armadillo repeat containing 9; plus strand). Cytogenetic location: 2q37.1.
Variant type: single nucleotide variant.
Coding change: c.1341G>A on transcript NM_001352754.2 (MANE Select); coding-DNA position 1341, G replaced by A.
Protein change: p.Pro447=; no amino-acid change (proline 447 retained).
Molecular consequence: synonymous variant. On other transcripts: non-coding transcript variant (1).
Genome position (GRCh38, 1-based): chr2:231,276,642, G>A. VCF-style: chr2-231276642-G-A. GRCh37 (hg19) VCF-style: chr2-232141355-G-A.
Other names: c.1341G>A, p.Pro447= (NM_001271466.4, NM_001291656.2, NM_001352755.2 and 3 more transcripts); c.1242G>A, p.Pro414= (NM_001352757.2, NM_001352758.2).
Identifiers: ClinVar variation 780872 (VCV000780872.14), dbSNP rs59475942, ClinGen allele CA2160306.

ClinVar aggregate classification (germline): Benign. Review status: criteria provided, multiple submitters, no conflicts (2 of 4 stars). 4 submissions from 4 submitters: Benign (3). 1 of the submissions does not count toward it. Last evaluated 2026-02-01.

Conditions:
ARMC9-related disorder. Also called: ARMC9-related condition.

Allele frequency attached by ClinVar (database versions not stated): gnomAD exomes 0.00223 and 0.00564; ExAC 0.00714; gnomAD 0.02287 and 0.02484; 1000 Genomes Project 0.02316; 1000 Genomes Project 30x 0.02420; ESP Exome Variant Server 0.02530; TOPMed 0.02543.
gnomAD v4.1: 6,882 of 1,614,042 alleles (0.43%); highest among the groups gnomAD compares: African/African-American, 8.2%; 264 homozygotes.

Submissions (4):

Labcorp Genetics (formerly Invitae), Labcorp
Classification: Benign. Last evaluated: 2026-02-01. Review status: criteria provided, single submitter. Criteria: Invitae Variant Classification Sherloc (09022015). Collection method: clinical testing. Allele origin: germline.

GeneDx
Classification: Benign. Last evaluated: 2021-05-04. Review status: criteria provided, single submitter. Criteria: GeneDx Variant Classification Process June 2021. Collection method: clinical testing. Allele origin: germline. Affected: yes.

Breakthrough Genomics
Classification: Benign. Review status: criteria provided, single submitter. Criteria: ACMG Guidelines, 2015. Collection method: not provided. Allele origin: germline. Inheritance: Autosomal recessive inheritance. Affected: yes.

PreventionGenetics, part of Exact Sciences
Classification: Benign for ARMC9-related condition. Last evaluated: 2019-07-09. Review status: no assertion criteria provided. Collection method: clinical testing. Allele origin: germline. Not counted in ClinVar's aggregate classification.
Comment: This variant is classified as benign based on ACMG/AMP sequence variant interpretation guidelines (Richards et al. 2015 PMID: 25741868, with internal and published modifications).